The following is an entry in ClinVar:

NM_001429.4(EP300):c.2122C>A (p.Pro708Thr)

Gene: EP300 (EP300 lysine acetyltransferase; plus strand). Cytogenetic location: 22q13.2.
Variant type: single nucleotide variant.
Coding change: c.2122C>A on transcript NM_001429.4 (MANE Select); coding-DNA position 2122, C replaced by A.
Protein change: p.Pro708Thr; replaces proline 708 with threonine.
Molecular consequence: missense variant. On other transcripts: intron variant (1).
Genome position (GRCh38, 1-based): chr22:41,146,807, C>A. VCF-style: chr22-41146807-C-A. GRCh37 (hg19) VCF-style: chr22-41542811-C-A.
Other names: c.2122C>A (NM_001429.3); c.2054-1030C>A (NM_001362843.2); short protein forms P708T.
Identifiers: ClinVar variation 2166925 (VCV002166925.6), dbSNP rs992638094, ClinGen allele CA411689325.

ClinVar aggregate classification (germline): Uncertain significance. Review status: criteria provided, multiple submitters, no conflicts (2 of 4 stars). 2 submissions from 2 submitters: Uncertain significance (2). Last evaluated 2025-05-30.

Conditions:
Rubinstein-Taybi syndrome due to EP300 haploinsufficiency. Also called: EP300-Related Rubinstein-Taybi Syndrome; RUBINSTEIN-TAYBI SYNDROME 2. Identifiers: Orphanet 353284, Orphanet 783, MedGen C3150941, MONDO:0013364, OMIM 613684.
EP300-related disorder. Also called: EP300-related condition; EP300-related disorders.

Allele frequency attached by ClinVar (database versions not stated): TOPMed 0.00001.
gnomAD v4.1: 7 of 1,614,002 alleles (0.00043%); highest among the groups gnomAD compares: Non-Finnish European, 0.00051%; no homozygotes.

Submissions (2):

PreventionGenetics, part of Exact Sciences
Classification: Uncertain significance for EP300-related condition. Last evaluated: 2025-05-30. Review status: criteria provided, single submitter. Criteria: ACMG Guidelines, 2015. Collection method: clinical testing. Allele origin: germline.
Comment: The EP300 c.2122C>A variant is predicted to result in the amino acid substitution p.Pro708Thr. To our knowledge, this variant has not been reported in the literature or in a large population database (gnomAD), indicating this variant is rare. At this time, the clinical significance of this variant is uncertain due to the absence of conclusive functional and genetic evidence.

Labcorp Genetics (formerly Invitae), Labcorp
Classification: Uncertain significance for Rubinstein-Taybi syndrome due to EP300 haploinsufficiency. Last evaluated: 2022-05-17. Review status: criteria provided, single submitter. Criteria: Invitae Variant Classification Sherloc (09022015). Collection method: clinical testing. Allele origin: germline.
Comment: In summary, the available evidence is currently insufficient to determine the role of this variant in disease. Therefore, it has been classified as a Variant of Uncertain Significance. Advanced modeling of protein sequence and biophysical properties (such as structural, functional, and spatial information, amino acid conservation, physicochemical variation, residue mobility, and thermodynamic stability) performed at Invitae indicates that this missense variant is not expected to disrupt EP300 protein function. This variant has not been reported in the literature in individuals affected with EP300-related conditions. This variant is not present in population databases (gnomAD no frequency). This sequence change replaces proline, which is neutral and non-polar, with threonine, which is neutral and polar, at codon 708 of the EP300 protein (p.Pro708Thr).